The following is an entry in ClinVar:

NM_004104.5(FASN):c.113G>A (p.Arg38His)

Gene: FASN (fatty acid synthase; minus strand). Cytogenetic location: 17q25.3.
Variant type: single nucleotide variant.
Coding change: c.113G>A on transcript NM_004104.5 (MANE Select); coding-DNA position 113, G replaced by A.
Protein change: p.Arg38His; replaces arginine 38 with histidine.
Molecular consequence: missense variant.
Genome position (GRCh38, 1-based): chr17:82,096,333, C>T on the plus strand (G>A on the coding strand, the complement: FASN is on the minus strand). VCF-style: chr17-82096333-C-T. GRCh37 (hg19) VCF-style: chr17-80054209-C-T.
Other names: short protein forms R38H.
Identifiers: ClinVar variation 1425122 (VCV001425122.8), dbSNP rs1041961408, ClinGen allele CA295143527.
Genomic context (GRCh38, chr17:82,096,333, plus strand): 5'-GATGGAGCTTCACACCCCAGGCACGGGGAGCCCCGCAGCCACATACCCGCCTTCCAGCGA[C>T]GGTCATCGTCCGTGACCATGTCCACACCGCCGATGAGGTTGTCCCAGAACTCCTGCAAGT-3'
Protein context (NP_004095.4, residues 28-48): GGVDMVTDDD[Arg38His]RWKAGLYGLP

ClinVar aggregate classification (germline): Uncertain significance (1 of 4 stars; one submission).

Conditions:
Epileptic encephalopathy. Identifiers: MedGen C0543888, HP:0200134.

Allele frequency attached by ClinVar (database versions not stated): gnomAD 0.00001; gnomAD exomes 0.00001 and 0.00002; TOPMed 0.00002.
gnomAD v4.1: 17 of 1,612,592 alleles (0.0011%); highest among the groups gnomAD compares: Admixed American, 0.0033%; no homozygotes.

Submission:

Labcorp Genetics (formerly Invitae), Labcorp
Classification: Uncertain significance for Epileptic encephalopathy. Last evaluated: 2024-09-17. Review status: criteria provided, single submitter. Criteria: Invitae Variant Classification Sherloc (09022015). Collection method: clinical testing. Allele origin: germline.
Comment: This sequence change replaces arginine, which is basic and polar, with histidine, which is basic and polar, at codon 38 of the FASN protein (p.Arg38His). This variant is present in population databases (no rsID available, gnomAD 0.01%). This variant has not been reported in the literature in individuals affected with FASN-related conditions. ClinVar contains an entry for this variant (Variation ID: 1425122). An algorithm developed to predict the effect of missense changes on protein structure and function (PolyPhen-2) suggests that this variant is likely to be disruptive. In summary, the available evidence is currently insufficient to determine the role of this variant in disease. Therefore, it has been classified as a Variant of Uncertain Significance.